The following is an entry in ClinVar:

NM_000020.3(ACVRL1):c.1035C>A (p.Cys345Ter)

Gene: ACVRL1 (activin A receptor like type 1; plus strand). Cytogenetic location: 12q13.13.
Variant type: single nucleotide variant.
Coding change: c.1035C>A on transcript NM_000020.3 (MANE Select); coding-DNA position 1035, C replaced by A.
Protein change: p.Cys345Ter; replaces cysteine 345 with a stop codon.
Molecular consequence: nonsense.
Genome position (GRCh38, 1-based): chr12:51,915,487, C>A. VCF-style: chr12-51915487-C-A. GRCh37 (hg19) VCF-style: chr12-52309271-C-A.
Other names: c.1035C>A, p.Cys345Ter (NM_001077401.2, NM_001406487.1, NM_001406488.1 and 1 more transcripts); c.723C>A, p.Cys241Ter (NM_001406490.1, NM_001406491.1, NM_001406492.1 and 2 more transcripts); c.471C>A, p.Cys157Ter (NM_001406495.1); short protein forms C345*, C157*, C241*.
Identifiers: ClinVar variation 2029849 (VCV002029849.4), dbSNP rs2540164963, ClinGen allele CA384901766.
Genomic context (GRCh38, chr12:51,915,487, plus strand): 5'-CATTGCCCACCGCGACTTCAAGAGCCGCAATGTGCTGGTCAAGAGCAACCTGCAGTGTTG[C>A]ATCGCCGACCTGGGTGAGCCGGGCGGGGCAGGGGCGCGCCCTTCACAGGTGGGCGGAGCT-3'

ClinVar aggregate classification (germline): Pathogenic (1 of 4 stars; one submission).

Conditions:
Telangiectasia, hereditary hemorrhagic, type 2 (HHT2). Also called: ACVRL1-Related Hereditary Hemorrhagic Telangiectasia; Telangiectasia, hereditary hemorrhagic, type II. Identifiers: Orphanet 774, MedGen C1838163, MONDO:0010880, OMIM 600376. Disease mechanism: loss of function.

Submission:

Labcorp Genetics (formerly Invitae), Labcorp
Classification: Pathogenic for Telangiectasia, hereditary hemorrhagic, type 2. Last evaluated: 2022-09-10. Review status: criteria provided, single submitter. Criteria: Invitae Variant Classification Sherloc (09022015). Collection method: clinical testing. Allele origin: germline.
Comment: This variant is not present in population databases (gnomAD no frequency). This sequence change creates a premature translational stop signal (p.Cys345*) in the ACVRL1 gene. It is expected to result in an absent or disrupted protein product. Loss-of-function variants in ACVRL1 are known to be pathogenic (PMID: 15879500). This variant has not been reported in the literature in individuals affected with ACVRL1-related conditions. For these reasons, this variant has been classified as Pathogenic.

Literature cited by the submitters: PubMed 15879500.